The following is an entry in ClinVar:

NM_024334.3(TMEM43):c.695A>G (p.Lys232Arg)

Gene: TMEM43 (transmembrane protein 43; plus strand). Cytogenetic location: 3p25.1.
Variant type: single nucleotide variant.
Coding change: c.695A>G on transcript NM_024334.3 (MANE Select); coding-DNA position 695, A replaced by G.
Protein change: p.Lys232Arg; replaces lysine 232 with arginine.
Molecular consequence: missense variant.
Genome position (GRCh38, 1-based): chr3:14,134,881, A>G. VCF-style: chr3-14134881-A-G. GRCh37 (hg19) VCF-style: chr3-14176381-A-G.
Other names: c.698A>G, p.Lys233Arg (NM_001407274.1); c.695A>G, p.Lys232Arg (NM_001407275.1, NM_001407276.1, NM_001407277.1 and 1 more transcripts); c.680A>G, p.Lys227Arg (NM_001407278.1); c.545A>G, p.Lys182Arg (NM_001407280.1); short protein forms K182R, K227R, K232R, K233R.
Identifiers: ClinVar variation 4757052 (VCV004757052.1).
Genomic context (GRCh38, chr3:14,134,881, plus strand): 5'-AGGACCCTCATGTGGACATCATTCGCCGTGGAGACTTTTTCTACCACAGCGAAAATCCCA[A>G]GTATCCAGAGGTGTGCGGAGAGGCCTGGGCTCTCCAAATAGGAGGGTCAGGGCGCTAGGA-3'
Protein context (NP_077310.1, residues 222-242): GDFFYHSENP[Lys232Arg]YPEVGDLRVS

ClinVar aggregate classification (germline): Uncertain significance (1 of 4 stars; one submission).

Conditions:
Cardiomyopathy (CMYO). Also called: Cardiomyopathies. Identifiers: Orphanet 167848, MedGen C0878544, MONDO:0004994, HP:0001638. Inheritance: Various modes of inheritance.

Submission:

Color Diagnostics, LLC DBA Color Health
Classification: Uncertain significance for Cardiomyopathy. Last evaluated: 2025-06-23. Review status: criteria provided, single submitter. Criteria: ACMG Guidelines, 2015. Collection method: clinical testing. Allele origin: germline.
Comment: This missense variant replaces lysine with arginine at codon 232 of the TMEM43 protein. Computational prediction suggests that this variant may not impact protein structure and function. To our knowledge, functional studies have not been reported for this variant. This variant has not been reported in individuals affected with TMEM43-related disorders in the literature. This variant has not been identified in the general population by the Genome Aggregation Database (gnomAD). The available evidence is insufficient to determine the role of this variant in disease conclusively. Therefore, this variant is classified as a Variant of Uncertain Significance.